The following is an entry in ClinVar:

NM_032608.7(MYO18B):c.1384G>C (p.Glu462Gln)

Gene: MYO18B (myosin XVIIIB; plus strand). Cytogenetic location: 22q12.1.
Variant type: single nucleotide variant.
Coding change: c.1384G>C on transcript NM_032608.7 (MANE Select); coding-DNA position 1384, G replaced by C.
Protein change: p.Glu462Gln; replaces glutamic acid 462 with glutamine.
Molecular consequence: missense variant.
Genome position (GRCh38, 1-based): chr22:25,769,300, G>C. VCF-style: chr22-25769300-G-C. GRCh37 (hg19) VCF-style: chr22-26165267-G-C.
Other names: c.1384G>C, p.Glu462Gln (NM_001318245.2); c.1384G>C (NM_032608.5); short protein forms E462Q.
Identifiers: ClinVar variation 1469339 (VCV001469339.5), dbSNP rs369855142, ClinGen allele CA10159813.

ClinVar aggregate classification (germline): Uncertain significance. Review status: criteria provided, multiple submitters, no conflicts (2 of 4 stars). 2 submissions from 2 submitters: Uncertain significance (2). Last evaluated 2024-09-10.

Conditions:
Inborn genetic diseases. Identifiers: MedGen C0950123, MeSH D030342.

Allele frequency attached by ClinVar (database versions not stated): TOPMed below 0.00001; gnomAD 0.00001; ExAC 0.00003; ESP Exome Variant Server 0.00016.
gnomAD v4.1: 6 of 1,580,772 alleles (0.00038%); highest among the groups gnomAD compares: African/African-American, 0.0013%; no homozygotes.

Submissions (2):

Ambry Genetics
Classification: Uncertain significance for Inborn genetic diseases. Last evaluated: 2024-09-10. Review status: criteria provided, single submitter. Criteria: Ambry Variant Classification Scheme 2023. Collection method: clinical testing. Allele origin: germline.

Labcorp Genetics (formerly Invitae), Labcorp
Classification: Uncertain significance. Last evaluated: 2022-10-17. Review status: criteria provided, single submitter. Criteria: Invitae Variant Classification Sherloc (09022015). Collection method: clinical testing. Allele origin: germline.
Comment: In summary, the available evidence is currently insufficient to determine the role of this variant in disease. Therefore, it has been classified as a Variant of Uncertain Significance. Algorithms developed to predict the effect of missense changes on protein structure and function output the following: SIFT: "Not Available"; PolyPhen-2: "Benign"; Align-GVGD: "Not Available". The glutamine amino acid residue is found in multiple mammalian species, which suggests that this missense change does not adversely affect protein function. ClinVar contains an entry for this variant (Variation ID: 1469339). This variant has not been reported in the literature in individuals affected with MYO18B-related conditions. This variant is present in population databases (rs369855142, gnomAD 0.001%). This sequence change replaces glutamic acid, which is acidic and polar, with glutamine, which is neutral and polar, at codon 462 of the MYO18B protein (p.Glu462Gln).